The following is an entry in ClinVar:

ClinVar aggregate classification (germline): Uncertain significance. Review status: criteria provided, multiple submitters, no conflicts (2 of 4 stars). 2 submissions from 2 submitters: Uncertain significance (2). Last evaluated 2025-05-14.

Allele frequency attached by ClinVar (database versions not stated): TOPMed 0.00001; gnomAD 0.00002; gnomAD exomes 0.00003; ExAC 0.00004.
gnomAD v4.1: 45 of 1,613,774 alleles (0.0028%); highest among the groups gnomAD compares: South Asian, 0.04%; no homozygotes.

Submissions (2):

Ambry Genetics
Classification: Uncertain significance. Last evaluated: 2025-05-14. Review status: criteria provided, single submitter. Criteria: Ambry Variant Classification Scheme 2023. Collection method: clinical testing. Allele origin: germline.

Foundation for Research in Genetics and Endocrinology, FRIGE's Institute of Human Genetics
Classification: Uncertain significance. Review status: criteria provided, single submitter. Criteria: ACMG Guidelines, 2015. Collection method: clinical testing. Allele origin: germline. Inheritance: Autosomal dominant inheritance. Affected: yes. Observed: 1 heterozygote.
Comment: A heterozygous missense variant in exon 10 of the RBM5 gene that results in the amino acid substitution of valine for methionine at codon 285. The variant has not been reported in 1000 genomes and has MAF of 0.002% in gnomAD databases. The in-silico prediction of the variant is damaging by SIFT, LRT, MutationTaster2, CADD and REVEL. In summary, the variant meets our criteria to be classified as a variant of uncertain significance

NM_005778.4(RBM5):c.853A>G (p.Met285Val)

Gene: RBM5 (RNA binding motif protein 5; plus strand). Cytogenetic location: 3p21.31.
Variant type: single nucleotide variant.
Coding change: c.853A>G on transcript NM_005778.4 (MANE Select); coding-DNA position 853, A replaced by G.
Protein change: p.Met285Val; replaces methionine 285 with valine.
Molecular consequence: missense variant. On other transcripts: non-coding transcript variant (1).
Genome position (GRCh38, 1-based): chr3:50,105,707, A>G. VCF-style: chr3-50105707-A-G. GRCh37 (hg19) VCF-style: chr3-50143140-A-G.
Other names: p.Met285Val; c.853A>G (NM_005778.2); short protein forms M285V.
Identifiers: ClinVar variation 2507022 (VCV002507022.3), dbSNP rs777391323, ClinGen allele CA2411138.
Genomic context (GRCh38, chr3:50,105,707, plus strand): 5'-ATAAAAGACAAACAGACCCAGCAGAACAGAGGCTTCGCATTTGTGCAGCTGTCCTCTGCA[A>G]TGGTGAGGTTCTCATCGATTCTTTCCTTTTTAAAAGAAACAGCTTTAAGAGGCAAATGTG-3'
Protein context (NP_005769.1, residues 275-295): GFAFVQLSSA[Met285Val]DASQLLQILQ